The following is an entry in ClinVar:

NM_001127208.3(TET2):c.4661_4664del (p.Thr1554fs)

Genes: TET2 (tet methylcytosine dioxygenase 2; plus strand), TET2-AS1 (TET2 antisense RNA 1; minus strand). Cytogenetic location: 4q24.
Variant type: Microsatellite.
Coding change: c.4661_4664del on transcript NM_001127208.3 (MANE Select); coding-DNA positions 4661 to 4664, 4 bases deleted (CAGA; older notation c.4661_4664delCAGA).
Protein change: p.Thr1554fs; shifts the reading frame from threonine 1554.
Molecular consequence: frameshift variant.
Genome position (GRCh38, 1-based): chr4:105,275,171-105,275,174, CAGA deleted; deleting any 4 consecutive bases within chr4:105,275,167-105,275,174 gives the same sequence; the c. name uses the placement nearest the transcript's 3' end. VCF-style (leftmost placement, unchanged base first): chr4-105275166-TCAGA-T. GRCh37 (hg19) VCF-style: chr4-106196323-TCAGA-T.
Other names: short protein forms T1554fs.
Identifiers: ClinVar variation 3613511 (VCV003613511.2).
Genomic context (GRCh38, chr4:105,275,166, plus strand): 5'-GAAGCAGCCACCACAGCCCCAGCAGCAGCAGAGACCCCAGCAGCAGCAGCCACATCACCC[TCAGA>T]CAGAGTCTGTCAACTCTTATTCTGCTTCTGGATCCACCAATCCATACATGAGACGGCCCA-3'

ClinVar aggregate classification (germline): Uncertain significance (1 of 4 stars; one submission).

Submission:

Labcorp Genetics (formerly Invitae), Labcorp
Classification: Uncertain significance. Last evaluated: 2025-11-17. Review status: criteria provided, single submitter. Criteria: Invitae Variant Classification Sherloc (09022015). Collection method: clinical testing. Allele origin: germline.
Comment: This sequence change creates a premature translational stop signal (p.Thr1554Serfs*16) in the TET2 gene. While this is not anticipated to result in nonsense mediated decay, it is expected to disrupt the last 449 amino acid(s) of the TET2 protein. This variant is not present in population databases (gnomAD no frequency). This variant has not been reported in the literature in individuals affected with TET2-related conditions. Experimental studies and prediction algorithms are not available or were not evaluated, and the functional significance of this variant is currently unknown. In summary, the available evidence is currently insufficient to determine the role of this variant in disease. Therefore, it has been classified as a Variant of Uncertain Significance.